The following is an entry in ClinVar:

ClinVar aggregate classification (germline): Uncertain significance (1 of 4 stars; one submission).

Conditions:
Developmental and epileptic encephalopathy, 12 (DEE12). Identifiers: MedGen C3150988, MONDO:0013389, OMIM 613722.

Submission:

Labcorp Genetics (formerly Invitae), Labcorp
Classification: Uncertain significance for Developmental and epileptic encephalopathy, 12. Last evaluated: 2021-10-01. Review status: criteria provided, single submitter. Criteria: Invitae Variant Classification Sherloc (09022015). Collection method: clinical testing. Allele origin: germline.
Comment: In summary, the available evidence is currently insufficient to determine the role of this variant in disease. Therefore, it has been classified as a Variant of Uncertain Significance. Algorithms developed to predict the effect of missense changes on protein structure and function are either unavailable or do not agree on the potential impact of this missense change (SIFT: "Deleterious"; PolyPhen-2: "Benign"; Align-GVGD: "Class C0"). This variant has not been reported in the literature in individuals affected with PLCB1-related conditions. This variant is not present in population databases (ExAC no frequency). This sequence change replaces aspartic acid with asparagine at codon 200 of the PLCB1 protein (p.Asp200Asn). The aspartic acid residue is highly conserved and there is a small physicochemical difference between aspartic acid and asparagine.

NM_015192.4(PLCB1):c.598G>A (p.Asp200Asn)

Gene: PLCB1 (phospholipase C beta 1; plus strand). Cytogenetic location: 20p12.3.
Variant type: single nucleotide variant.
Coding change: c.598G>A on transcript NM_015192.4 (MANE Select); coding-DNA position 598, G replaced by A.
Protein change: p.Asp200Asn; replaces aspartic acid 200 with asparagine.
Molecular consequence: missense variant.
Genome position (GRCh38, 1-based): chr20:8,657,187, G>A. VCF-style: chr20-8657187-G-A. GRCh37 (hg19) VCF-style: chr20-8637834-G-A.
Other names: c.598G>A, p.Asp200Asn (NM_182734.3); short protein forms D200N.
Identifiers: ClinVar variation 1473349 (VCV001473349.6), dbSNP rs2123318774, ClinGen allele CA408263799.